The following is an entry in ClinVar:

ClinVar aggregate classification (germline): Uncertain significance. Review status: criteria provided, multiple submitters, no conflicts (2 of 4 stars). 2 submissions from 2 submitters: Uncertain significance (2). Last evaluated 2026-08-04.

Conditions:
CACNB4-related disorder. Also called: CACNB4-Related Disorders; CACNB4-related condition.

Allele frequency attached by ClinVar (database versions not stated): ExAC 0.00001; gnomAD 0.00001; gnomAD exomes 0.00002; TOPMed 0.00002.
gnomAD v4.1: 24 of 1,612,958 alleles (0.0015%); highest among the groups gnomAD compares: Non-Finnish European, 0.002%; no homozygotes.

Submissions (2):

PreventionGenetics, part of Exact Sciences
Classification: Uncertain significance for CACNB4-related condition. Last evaluated: 2026-08-04. Review status: criteria provided, single submitter. Criteria: ACMG Guidelines, 2015. Collection method: clinical testing. Allele origin: germline.
Comment: The CACNB4 c.691G>A variant is predicted to result in the amino acid substitution p.Gly231Ser. To our knowledge, this variant has not been reported in the literature. This variant is reported in 0.0018% of alleles in individuals of European (Non-Finnish) descent in gnomAD. At this time, the clinical significance of this variant is uncertain due to the absence of conclusive functional and genetic evidence.

Ambry Genetics
Classification: Uncertain significance. Last evaluated: 2025-04-09. Review status: criteria provided, single submitter. Criteria: Ambry Variant Classification Scheme 2023. Collection method: clinical testing. Allele origin: germline.

NM_000726.5(CACNB4):c.691G>A (p.Gly231Ser)

Gene: CACNB4 (calcium voltage-gated channel auxiliary subunit beta 4; minus strand). Cytogenetic location: 2q23.3.
Variant type: single nucleotide variant.
Coding change: c.691G>A on transcript NM_000726.5 (MANE Select); coding-DNA position 691, G replaced by A.
Protein change: p.Gly231Ser; replaces glycine 231 with serine.
Molecular consequence: missense variant.
Genome position (GRCh38, 1-based): chr2:151,870,539, C>T on the plus strand (G>A on the coding strand, the complement: CACNB4 is on the minus strand). VCF-style: chr2-151870539-C-T. GRCh37 (hg19) VCF-style: chr2-152727053-C-T.
Other names: c.691G>A (NM_000726.4); c.637G>A, p.Gly213Ser (NM_001005746.4); c.589G>A, p.Gly197Ser (NM_001005747.4); c.691G>A, p.Gly231Ser (NM_001145798.3); c.550G>A, p.Gly184Ser (NM_001320722.3, NM_001330118.2); c.617G>A, p.Arg206Lys (NM_001330113.2); c.37G>A, p.Gly13Ser (NM_001330114.2); c.569G>A, p.Arg190Lys (NM_001330115.2); and 2 more; short protein forms G13S, R177K, G197S, G213S, R190K, G184S, G45S, R206K.
Identifiers: ClinVar variation 2342166 (VCV002342166.4), dbSNP rs747408585, ClinGen allele CA1912547.
Genomic context (GRCh38, chr2:151,870,539, plus strand): 5'-TGTCTCCTGGGTGCTCGATCAAGAACTGAAGAGTAACAGATGATATTTGTACCTCGTAAC[C>T]TTTCAGTGACGGCCCCACTAACACCACCGGACGCATTGACGGTACAACATCGTAAGGAGG-3'
Protein context (NP_000717.2, residues 221-241): PVVLVGPSLK[Gly231Ser]YEVTDMMQKA